The following is an entry in ClinVar:

ClinVar aggregate classification (germline): Uncertain significance (1 of 4 stars; one submission).

Submission:

Labcorp Genetics (formerly Invitae), Labcorp
Classification: Uncertain significance. Last evaluated: 2022-08-23. Review status: criteria provided, single submitter. Criteria: Invitae Variant Classification Sherloc (09022015). Collection method: clinical testing. Allele origin: germline.
Comment: In summary, the available evidence is currently insufficient to determine the role of this variant in disease. Therefore, it has been classified as a Variant of Uncertain Significance. Advanced modeling of protein sequence and biophysical properties (such as structural, functional, and spatial information, amino acid conservation, physicochemical variation, residue mobility, and thermodynamic stability) performed at Invitae indicates that this missense variant is not expected to disrupt CACNA1B protein function. This variant has not been reported in the literature in individuals affected with CACNA1B-related conditions. This variant is not present in population databases (gnomAD no frequency). This sequence change replaces glutamic acid, which is acidic and polar, with lysine, which is basic and polar, at codon 1007 of the CACNA1B protein (p.Glu1007Lys).

NM_000718.4(CACNA1B):c.3019G>A (p.Glu1007Lys)

Gene: CACNA1B (calcium voltage-gated channel subunit alpha1 B; plus strand). Cytogenetic location: 9q34.3.
Variant type: single nucleotide variant.
Coding change: c.3019G>A on transcript NM_000718.4 (MANE Select); coding-DNA position 3019, G replaced by A.
Protein change: p.Glu1007Lys; replaces glutamic acid 1007 with lysine.
Molecular consequence: missense variant.
Genome position (GRCh38, 1-based): chr9:138,023,762, G>A. VCF-style: chr9-138023762-G-A. GRCh37 (hg19) VCF-style: chr9-140918214-G-A.
Other names: c.3019G>A, p.Glu1007Lys (NM_001243812.2); short protein forms E1007K.
Identifiers: ClinVar variation 2061500 (VCV002061500.4), dbSNP rs1554748995, ClinGen allele CA375810627.